The following is an entry in ClinVar:

NM_017433.5(MYO3A):c.424C>T (p.His142Tyr)

Gene: MYO3A (myosin IIIA; plus strand). Cytogenetic location: 10p12.1.
Variant type: single nucleotide variant.
Coding change: c.424C>T on transcript NM_017433.5 (MANE Select); coding-DNA position 424, C replaced by T.
Protein change: p.His142Tyr; replaces histidine 142 with tyrosine.
Molecular consequence: missense variant.
Genome position (GRCh38, 1-based): chr10:25,997,174, C>T. VCF-style: chr10-25997174-C-T. GRCh37 (hg19) VCF-style: chr10-26286103-C-T.
Other names: c.424C>T, p.His142Tyr (NM_001368265.1); short protein forms H142Y.
Identifiers: ClinVar variation 504639 (VCV000504639.22), dbSNP rs140301218, ClinGen allele CA5444304.
Genomic context (GRCh38, chr10:25,997,174, plus strand): 5'-TTTGATGCTTTTGTTAAGAGTCATTATATATTTCTTATCTTCTAGGGACTTCAACATTTG[C>T]ATAACAACAAAACTATCCACAGAGATGTGAAAGGCAATAACATTCTATTGACCACGGAAG-3'
Protein context (NP_059129.3, residues 132-152): HEALMGLQHL[His142Tyr]NNKTIHRDVK

ClinVar aggregate classification (germline): Conflicting classifications of pathogenicity. Review status: criteria provided, conflicting classifications (1 of 4 stars). 5 submissions from 5 submitters: Uncertain significance (3); Likely benign (2). Last evaluated 2026-02-19.

Conditions:
MYO3A-related disorder. Also called: MYO3A-related condition.

Allele frequency attached by ClinVar (database versions not stated): gnomAD exomes 0.00022; ExAC 0.00031; gnomAD 0.00115 and 0.00121; 1000 Genomes Project 30x 0.00250; ESP Exome Variant Server 0.00131; 1000 Genomes Project 0.00140; TOPMed 0.00152.
gnomAD v4.1: 350 of 1,612,892 alleles (0.022%); highest among the groups gnomAD compares: African/African-American, 0.38%; no homozygotes.

Submissions (5):

Women's Health and Genetics/Laboratory Corporation of America, LabCorp
Classification: Uncertain significance. Last evaluated: 2026-02-19. Review status: criteria provided, single submitter. Criteria: LabCorp Variant Classification Summary - May 2015. Collection method: clinical testing. Allele origin: germline.
Comment: Variant summary: MYO3A c.424C>T (p.His142Tyr) results in a conservative amino acid change in the encoded protein sequence. Algorithms developed to predict the effect of missense changes on protein structure and function are either unavailable or do not agree on the potential impact of this missense change. The variant allele was found at a frequency of 0.00022 in 251036 control chromosomes, predominantly at a frequency of 0.0028 within the African or African-American subpopulation in the gnomAD database. The observed variant frequency within African or African-American control individuals in the gnomAD database exceeds the estimated maximal expected allele frequency for disease-causing variants in MYO3A. c.424C>T has been reported in the homozygous state in three individuals of African ancestry affected with Autosomal Recessive Nonsyndromic Hearing Loss, although no testing of family members was reported (Wonkam_2021). This report does not provide unequivocal conclusions about association of the variant with Autosomal Recessive Nonsyndromic Hearing Loss 30. To our knowledge, no experimental evidence demonstrating an impact on protein function has been reported. The following publication have been ascertained in the context of this evaluation (PMID: 33078831). ClinVar contains an entry for this variant (Variation ID: 504639). Based on the evidence outlined above, the variant was classified as VUS-possibly benign.

Labcorp Genetics (formerly Invitae), Labcorp
Classification: Likely benign. Last evaluated: 2026-02-01. Review status: criteria provided, single submitter. Criteria: Invitae Variant Classification Sherloc (09022015). Collection method: clinical testing. Allele origin: germline.

PreventionGenetics, part of Exact Sciences
Classification: Uncertain significance for MYO3A-related condition. Last evaluated: 2025-06-18. Review status: criteria provided, single submitter. Criteria: ACMG Guidelines, 2015. Collection method: clinical testing. Allele origin: germline.
Comment: The MYO3A c.424C>T variant is predicted to result in the amino acid substitution p.His142Tyr. This variant was reported in the homozygous state in an individual with hearing impairment (Wonkam et al. 2021. PubMed ID: 33078831). This variant is reported in 0.32% of alleles in individuals of African descent in gnomAD. Although we suspect that this variant may be benign, at this time, the clinical significance of this variant is uncertain due to the absence of conclusive functional and genetic evidence.

GeneDx
Classification: Uncertain significance. Last evaluated: 2025-05-14. Review status: criteria provided, single submitter. Criteria: GeneDx Variant Classification Process June 2021. Collection method: clinical testing. Allele origin: germline. Affected: yes.
Comment: Reported in the homozygous state in patients with hearing loss in published literature (PMID: 33078831); In silico analysis supports that this missense variant has a deleterious effect on protein structure/function; This variant is associated with the following publications: (PMID: 33078831, 39858639)

Laboratory for Molecular Medicine, Mass General Brigham Personalized Medicine
Classification: Likely benign. Last evaluated: 2012-04-30. Review status: criteria provided, single submitter. Criteria: LMM Criteria. Collection method: clinical testing. Allele origin: germline. Observed: 1 variant allele.
Comment: His142Tyr in Exon 06 of MYO3A: This variant is not expected to have clinical sig nificance because it has been identified in 0.3% (13/3738) of African American c hromosomes from a broad population by the NHLBI Exome Sequencing Project (dbSNP rs140301218).

Literature cited by the submitters: PubMed 33078831 (cited by Women's Health and Genetics/Laboratory Corporation of America, LabCorp).